The following is an entry in ClinVar:

NM_001253697.2(ERBIN):c.3923A>G (p.His1308Arg)

Gene: ERBIN (erbb2 interacting protein; plus strand). Cytogenetic location: 5q12.3.
Variant type: single nucleotide variant.
Coding change: c.3923A>G on transcript NM_001253697.2 (MANE Select); coding-DNA position 3923, A replaced by G.
Protein change: p.His1308Arg; replaces histidine 1308 with arginine.
Molecular consequence: missense variant. On other transcripts: intron variant (1).
Genome position (GRCh38, 1-based): chr5:66,075,190, A>G. VCF-style: chr5-66075190-A-G. GRCh37 (hg19) VCF-style: chr5-65371018-A-G.
Other names: c.3800A>G, p.His1267Arg (NM_001253698.2, NM_018695.4); c.3944A>G, p.His1315Arg (NM_001253699.2); c.3788A>G, p.His1263Arg (NM_001253701.2); c.3634-1126A>G (NM_001006600.3); short protein forms H1267R, H1308R, H1315R, H1263R.
Identifiers: ClinVar variation 1512291 (VCV001512291.8), dbSNP rs753013910, ClinGen allele CA3286751.
Genomic context (GRCh38, chr5:66,075,190, plus strand): 5'-AACAACTAATTGATTACTTGATGCTGAAAGTGGCCCACCAGCCTCCATATACACAGCCCC[A>G]TTGTTCTCCTAGACAAGGCCATGAACTGGCAAAACAAGAGGTAAGAATAATCAAGACTAT-3'
Protein context (NP_001240626.1, residues 1298-1318): VAHQPPYTQP[His1308Arg]CSPRQGHELA

ClinVar aggregate classification (germline): Uncertain significance (1 of 4 stars; one submission).

Allele frequency attached by ClinVar (database versions not stated): ExAC 0.00001; gnomAD 0.00001; TOPMed 0.00001.
gnomAD v4.1: 3 of 1,614,072 alleles (0.00019%); highest among the groups gnomAD compares: Admixed American, 0.0033%; no homozygotes.

Submission:

Labcorp Genetics (formerly Invitae), Labcorp
Classification: Uncertain significance. Last evaluated: 2025-08-04. Review status: criteria provided, single submitter. Criteria: Invitae Variant Classification Sherloc (09022015). Collection method: clinical testing. Allele origin: germline.
Comment: This sequence change replaces histidine, which is basic and polar, with arginine, which is basic and polar, at codon 1308 of the ERBIN protein (p.His1308Arg). This variant is present in population databases (rs753013910, gnomAD 0.003%). This variant has not been reported in the literature in individuals affected with ERBIN-related conditions. ClinVar contains an entry for this variant (Variation ID: 1512291). An algorithm developed to predict the effect of missense changes on protein structure and function (PolyPhen-2) suggests that this variant is likely to be tolerated. In summary, the available evidence is currently insufficient to determine the role of this variant in disease. Therefore, it has been classified as a Variant of Uncertain Significance.